The following is an entry in ClinVar:

NM_001098511.3(KIF2A):c.2213C>G (p.Pro738Arg)

Gene: KIF2A (kinesin family member 2A; plus strand). Cytogenetic location: 5q12.1.
Variant type: single nucleotide variant.
Coding change: c.2213C>G on transcript NM_001098511.3 (MANE Select); coding-DNA position 2213, C replaced by G.
Protein change: p.Pro738Arg; replaces proline 738 with arginine.
Molecular consequence: missense variant.
Genome position (GRCh38, 1-based): chr5:62,385,547, C>G. VCF-style: chr5-62385547-C-G. GRCh37 (hg19) VCF-style: chr5-61681374-C-G.
Other names: c.2018C>G, p.Pro673Arg (NM_001243952.2); c.2042C>G, p.Pro681Arg (NM_001243953.2); c.2099C>G, p.Pro700Arg (NM_004520.5); short protein forms P700R, P738R, P681R, P673R.
Identifiers: ClinVar variation 2757539 (VCV002757539.3), dbSNP rs1351592249, ClinGen allele CA359822951.

ClinVar aggregate classification (germline): Uncertain significance (1 of 4 stars; one submission).

Submission:

Labcorp Genetics (formerly Invitae), Labcorp
Classification: Uncertain significance. Last evaluated: 2023-09-11. Review status: criteria provided, single submitter. Criteria: Invitae Variant Classification Sherloc (09022015). Collection method: clinical testing. Allele origin: germline.
Comment: This sequence change replaces proline, which is neutral and non-polar, with arginine, which is basic and polar, at codon 738 of the KIF2A protein (p.Pro738Arg). This variant is not present in population databases (gnomAD no frequency). This variant has not been reported in the literature in individuals affected with KIF2A-related conditions. An algorithm developed to predict the effect of missense changes on protein structure and function (PolyPhen-2) suggests that this variant is likely to be disruptive. In summary, the available evidence is currently insufficient to determine the role of this variant in disease. Therefore, it has been classified as a Variant of Uncertain Significance.